The following is an entry in ClinVar:

ClinVar aggregate classification (germline): Likely pathogenic (1 of 4 stars; one submission).

Submission:

GeneDx
Classification: Likely pathogenic. Last evaluated: 2026-10-06. Review status: criteria provided, single submitter. Criteria: GeneDx Variant Classification Process June 2021. Collection method: clinical testing. Allele origin: germline.
Comment: Not observed at significant frequency in large population cohorts (gnomAD); In silico analysis supports that this missense variant has a deleterious effect on protein structure/function; Has not been previously published as pathogenic or benign to our knowledge

NM_001130021.3(ATP6V0A1):c.2456G>A (p.Gly819Asp)

Gene: ATP6V0A1 (ATPase H+ transporting V0 subunit a1; plus strand). Cytogenetic location: 17q21.2.
Variant type: single nucleotide variant.
Coding change: c.2456G>A on transcript NM_001130021.3 (MANE Select); coding-DNA position 2456, G replaced by A.
Protein change: p.Gly819Asp; replaces glycine 819 with aspartic acid.
Molecular consequence: missense variant.
Genome position (GRCh38, 1-based): chr17:42,521,062, G>A. VCF-style: chr17-42521062-G-A. GRCh37 (hg19) VCF-style: chr17-40673080-G-A.
Other names: c.2459G>A, p.Gly820Asp (NM_001130020.3); c.2477G>A, p.Gly826Asp (NM_001378522.1); c.2351G>A, p.Gly784Asp (NM_001378523.1); c.2654G>A, p.Gly885Asp (NM_001378530.1); c.2600G>A, p.Gly867Asp (NM_001378531.1); c.2582G>A, p.Gly861Asp (NM_001378532.1); c.2579G>A, p.Gly860Asp (NM_001378533.1); c.2552G>A, p.Gly851Asp (NM_001378534.1); and 20 more; short protein forms G737D, G742D, G743D, G748D, G749D, G759D, G760D, G770D.
Identifiers: ClinVar variation 3769842 (VCV003769842.2).